The following is an entry in ClinVar:

ClinVar aggregate classification (germline): Uncertain significance. Review status: criteria provided, multiple submitters, no conflicts (2 of 4 stars). 2 submissions from 2 submitters: Uncertain significance (2). Last evaluated 2025-11-17.

Conditions:
Immunodeficiency 27A (IMD27A). Also called: IMMUNODEFICIENCY 27A, MYCOBACTERIOSIS, AUTOSOMAL RECESSIVE; IFNGR1 DEFICIENCY, AUTOSOMAL RECESSIVE. Identifiers: Orphanet 319569, Orphanet 99898, MedGen C4011949, MONDO:0008856, OMIM 209950.
Disseminated atypical mycobacterial infection. Identifiers: MedGen C0694566.

Allele frequency attached by ClinVar (database versions not stated): gnomAD exomes 0.00002 and 0.00004; ExAC 0.00003; gnomAD 0.00003; TOPMed 0.00003; ESP Exome Variant Server 0.00015.
gnomAD v4.1: 68 of 1,611,662 alleles (0.0042%); highest among the groups gnomAD compares: Middle Eastern, 0.016%; no homozygotes.

Submissions (2):

Labcorp Genetics (formerly Invitae), Labcorp
Classification: Uncertain significance for Disseminated atypical mycobacterial infection. Last evaluated: 2025-11-17. Review status: criteria provided, single submitter. Criteria: Invitae Variant Classification Sherloc (09022015). Collection method: clinical testing. Allele origin: germline.
Comment: This sequence change replaces valine, which is neutral and non-polar, with isoleucine, which is neutral and non-polar, at codon 264 of the IFNGR1 protein (p.Val264Ile). This variant is present in population databases (rs372412638, gnomAD 0.03%). This missense change has been observed in individual(s) with atopic dermatitis with eczema herpeticum (PMID: 26343451). ClinVar contains an entry for this variant (Variation ID: 904323). Invitae Evidence Modeling of protein sequence and biophysical properties (such as structural, functional, and spatial information, amino acid conservation, physicochemical variation, residue mobility, and thermodynamic stability) indicates that this missense variant is not expected to disrupt IFNGR1 protein function with a negative predictive value of 80%. In summary, the available evidence is currently insufficient to determine the role of this variant in disease. Therefore, it has been classified as a Variant of Uncertain Significance.

Illumina Laboratory Services, Illumina
Classification: Uncertain significance for Immunodeficiency 27A. Last evaluated: 2017-04-27. Review status: criteria provided, single submitter. Criteria: ICSL Variant Classification Criteria 13 December 2019. Collection method: clinical testing. Allele origin: germline.
Comment: This variant was observed as part of a predisposition screen in an ostensibly healthy population. A literature search was performed for the gene, cDNA change, and amino acid change (where applicable). Publications were found based on this search. However, the evidence from the literature, in combination with allele frequency data from public databases where available, was not sufficient to rule this variant in or out of causing disease. Therefore, this variant is classified as a variant of unknown significance.

Literature cited by the submitters: PubMed 26343451 (cited by Labcorp Genetics (formerly Invitae), Labcorp and Illumina Laboratory Services, Illumina).

NM_000416.3(IFNGR1):c.790G>A (p.Val264Ile)

Gene: IFNGR1 (interferon gamma receptor 1; minus strand). Cytogenetic location: 6q23.3.
Variant type: single nucleotide variant.
Coding change: c.790G>A on transcript NM_000416.3 (MANE Select); coding-DNA position 790, G replaced by A.
Protein change: p.Val264Ile; replaces valine 264 with isoleucine.
Molecular consequence: missense variant.
Genome position (GRCh38, 1-based): chr6:137,200,952, C>T on the plus strand (G>A on the coding strand, the complement: IFNGR1 is on the minus strand). VCF-style: chr6-137200952-C-T. GRCh37 (hg19) VCF-style: chr6-137522089-C-T.
Other names: c.760G>A, p.Val254Ile (NM_001363526.1); c.667G>A, p.Val223Ile (NM_001363527.1); short protein forms V264I, V223I, V254I.
Identifiers: ClinVar variation 904323 (VCV000904323.11), dbSNP rs372412638, ClinGen allele CA4018871.